The following is an entry in ClinVar:

ClinVar aggregate classification (germline): Likely benign (1 of 4 stars; one submission).

gnomAD v4.1: 16 of 649,954 alleles (0.0025%); highest among the groups gnomAD compares: Non-Finnish European, 0.0042%; no homozygotes.

Submission:

CeGaT Center for Human Genetics Tuebingen
Classification: Likely benign. Last evaluated: 2025-11-01. Review status: criteria provided, single submitter. Criteria: CeGaT Center For Human Genetics Tuebingen Variant Classification Criteria Version 2. Collection method: clinical testing. Allele origin: germline. Affected: yes. Observed: 1 variant allele.
Comment: SLC26A10P: BP4, BP7

NM_001478.5(B4GALNT1):c.*2179A>G

Gene: B4GALNT1 (beta-1,4-N-acetyl-galactosaminyltransferase 1; minus strand). Cytogenetic location: 12q13.3.
Variant type: single nucleotide variant.
Coding change: c.*2179A>G on transcript NM_001478.5 (MANE Select); 2179 bases downstream of the stop codon, A replaced by G.
Molecular consequence: 3 prime UTR variant. On other transcripts: non-coding transcript variant (1).
Genome position (GRCh38, 1-based): chr12:57,624,565, T>C on the plus strand (A>G on the coding strand, the complement: B4GALNT1 is on the minus strand). VCF-style: chr12-57624565-T-C. GRCh37 (hg19) VCF-style: chr12-58018348-T-C.
Other names: c.*2179A>G (NM_001413982.1, NM_001413983.1, NM_001413984.1 and 12 more transcripts).
Identifiers: ClinVar variation 4534662 (VCV004534662.6).